The following is an entry in ClinVar:

NM_201384.3(PLEC):c.3606C>T (p.Leu1202=)

Gene: PLEC (plectin; minus strand). Cytogenetic location: 8q24.3.
Variant type: single nucleotide variant.
Coding change: c.3606C>T on transcript NM_201384.3 (MANE Select); coding-DNA position 3606, C replaced by T.
Protein change: p.Leu1202=; no amino-acid change (leucine 1202 retained).
Molecular consequence: synonymous variant.
Genome position (GRCh38, 1-based): chr8:143,927,560, G>A on the plus strand (C>T on the coding strand, the complement: PLEC is on the minus strand). VCF-style: chr8-143927560-G-A. GRCh37 (hg19) VCF-style: chr8-145001728-G-A.
Other names: c.3687C>T, p.Leu1229= (NM_000445.5); c.3564C>T, p.Leu1188= (NM_201378.4); c.3540C>T, p.Leu1180= (NM_201379.3); c.4017C>T, p.Leu1339= (NM_201380.4); c.3510C>T, p.Leu1170= (NM_201381.3); c.3606C>T, p.Leu1202= (NM_201382.4); c.3618C>T, p.Leu1206= (NM_201383.3); c.3687C>T (NM_000445.4).
Identifiers: ClinVar variation 1636030 (VCV001636030.9), dbSNP rs781841776, ClinGen allele CA4927006.
Genomic context (GRCh38, chr8:143,927,560, plus strand): 5'-CCAGGCGCCCAAGGGGTCTGCACTCTCGCGGTAGTAACGCAGCTGGCGGCCCAGTTGCTC[G>A]AGCTCGCGCTGCCGCACGTCGGTCTGGGCCAGCACAGCCTGCCAGCGCTCAAGCAACTGG-3'
Protein context (NP_958786.1, residues 1192-1212): LAQTDVRQRE[Leu1202=]EQLGRQLRYY

ClinVar aggregate classification (germline): Likely benign. Review status: criteria provided, multiple submitters, no conflicts (2 of 4 stars). 2 submissions from 2 submitters: Likely benign (2). Last evaluated 2026-05-27.

Conditions:
Epidermolysis bullosa simplex 5C, with pyloric atresia (EBS5C). Also called: PLEC-Related Epidermolysis Bullosa with Pyloric Atresia; Epidermolysis bullosa simplex with pyloric atresia; PLEC1-Related Epidermolysis Bullosa with Pyloric Atresia. Identifiers: Orphanet 158684, MedGen C2677349, MONDO:0012807, OMIM 612138.
Autosomal recessive limb-girdle muscular dystrophy type 2Q (LGMDR17). Also called: MUSCULAR DYSTROPHY, LIMB-GIRDLE, AUTOSOMAL RECESSIVE 17. Identifiers: Orphanet 254361, MedGen C3150989, MONDO:0013390, OMIM 613723.
Epidermolysis bullosa simplex 5B, with muscular dystrophy (EBS5B). Also called: EPIDERMOLYSIS BULLOSA SIMPLEX AND LIMB-GIRDLE MUSCULAR DYSTROPHY; Epidermolysis bullosa simplex with muscular dystrophy. Identifiers: Orphanet 257, MedGen C2931072, MONDO:0009181, OMIM 226670.
Epidermolysis bullosa simplex, Ogna type (EBS5A). Also called: Pidermolysis bullosa simplex 5A, Ogna type; EPIDERMOLYSIS BULLOSA SIMPLEX 5A, OGNA TYPE. Identifiers: Orphanet 79401, MedGen C0432317, MONDO:0007555, OMIM 131950.
Epidermolysis bullosa simplex with nail dystrophy (EBS5D). Identifiers: MedGen C4225309, MONDO:0014661, OMIM 616487.
PLEC-related disorder. Also called: PLEC-related disorders; PLEC-related condition.

Allele frequency attached by ClinVar (database versions not stated): gnomAD 0.00001; TOPMed 0.00001; ExAC 0.00005; gnomAD exomes 0.00005.
gnomAD v4.1: 60 of 1,593,400 alleles (0.0038%); highest among the groups gnomAD compares: Middle Eastern, 0.017%; no homozygotes.

Submissions (2):

PreventionGenetics, part of Exact Sciences
Classification: Likely benign for PLEC-related condition. Last evaluated: 2026-05-27. Review status: criteria provided, single submitter. Criteria: ACMG Guidelines, 2015. Collection method: clinical testing. Allele origin: germline.
Comment: This variant is classified as likely benign based on ACMG/AMP sequence variant interpretation guidelines (Richards et al. 2015 PMID: 25741868, with internal and published modifications).

Labcorp Genetics (formerly Invitae), Labcorp
Classification: Likely benign for Autosomal recessive limb-girdle muscular dystrophy type 2Q; Epidermolysis bullosa simplex, Ogna type; Epidermolysis bullosa simplex with nail dystrophy; Epidermolysis bullosa simplex 5C, with pyloric atresia; Epidermolysis bullosa simplex 5B, with muscular dystrophy. Last evaluated: 2025-10-13. Review status: criteria provided, single submitter. Criteria: Invitae Variant Classification Sherloc (09022015). Collection method: clinical testing. Allele origin: germline.